The following is an entry in ClinVar:

ClinVar aggregate classification (germline): Likely pathogenic (1 of 4 stars; one submission).

Conditions:
ADCY3-related disorder. Also called: ADCY3-related condition.

Submission:

PreventionGenetics, part of Exact Sciences
Classification: Likely pathogenic for ADCY3-related condition. Last evaluated: 2026-08-10. Review status: criteria provided, single submitter. Criteria: ACMG Guidelines, 2015. Collection method: clinical testing. Allele origin: germline.
Comment: The ADCY3 c.1252_1253dupGG variant is predicted to result in a frameshift and premature protein termination (p.Thr419Alafs*24). To our knowledge, this variant has not been reported in the literature or in a large population database (gnomAD), indicating this variant is rare. Frameshift variants in ADCY3 are expected to be pathogenic. This variant is interpreted as likely pathogenic.

NM_004036.5(ADCY3):c.1252_1253dup (p.Thr419fs)

Gene: ADCY3 (adenylate cyclase 3; minus strand). Cytogenetic location: 2p23.3.
Variant type: Duplication.
Coding change: c.1252_1253dup on transcript NM_004036.5 (MANE Select); coding-DNA positions 1252 to 1253, 2 bases duplicated (GG; older notation c.1252_1253dupGG).
Protein change: p.Thr419fs; shifts the reading frame from threonine 419.
Molecular consequence: frameshift variant.
Genome position (GRCh38, 1-based): chr2:24,839,975-24,839,976, CC duplicated on the plus strand (GG on the coding strand, the reverse complement: ADCY3 is on the minus strand); duplicating any 2 consecutive bases within chr2:24,839,975-24,839,977 gives the same sequence; the c. name uses the placement nearest the transcript's 3' end. VCF-style (leftmost placement, unchanged base first): chr2-24839974-G-GCC. GRCh37 (hg19) VCF-style: chr2-25062843-G-GCC.
Other names: c.1252_1253dup, p.Thr419fs (NM_001320613.2, NM_001377128.1, NM_001377129.1 and 2 more transcripts); c.529_530dup, p.Thr178fs (NM_001377131.1); short protein forms T178fs, T419fs.
Identifiers: ClinVar variation 4993805 (VCV004993805.1).